The following is an entry in ClinVar:

NM_001130438.3(SPTAN1):c.2794C>G (p.His932Asp)

Gene: SPTAN1 (spectrin alpha, non-erythrocytic 1; plus strand). Cytogenetic location: 9q34.11.
Variant type: single nucleotide variant.
Coding change: c.2794C>G on transcript NM_001130438.3 (MANE Select); coding-DNA position 2794, C replaced by G.
Protein change: p.His932Asp; replaces histidine 932 with aspartic acid.
Molecular consequence: missense variant.
Genome position (GRCh38, 1-based): chr9:128,587,621, C>G. VCF-style: chr9-128587621-C-G. GRCh37 (hg19) VCF-style: chr9-131349900-C-G.
Other names: c.2794C>G, p.His932Asp (NM_001195532.2, NM_001363759.2, NM_001363765.2 and 5 more transcripts); c.2830C>G, p.His944Asp (NM_001375312.2, NM_001375318.1); short protein forms H932D, H944D.
Identifiers: ClinVar variation 3776509 (VCV003776509.1).
Genomic context (GRCh38, chr9:128,587,621, plus strand): 5'-GGCTTCAGCCCCTGCACAGTGCTCCATGTGTGGTTTTGGTTTCAGGCTCTACTGAAGAAA[C>G]ACGAAGCTTTGATGTCAGATCTCAGTGCCTACGGCAGCAGCATCCAGGCTTTGCGAGAAC-3'
Protein context (NP_001123910.1, residues 922-942): EDSAEALLKK[His932Asp]EALMSDLSAY

ClinVar aggregate classification (germline): Uncertain significance (1 of 4 stars; one submission).

Submission:

GeneDx
Classification: Uncertain significance. Last evaluated: 2024-09-29. Review status: criteria provided, single submitter. Criteria: GeneDx Variant Classification Process June 2021. Collection method: clinical testing. Allele origin: germline. Affected: yes.
Comment: Not observed at significant frequency in large population cohorts (gnomAD); In silico analysis supports that this missense variant has a deleterious effect on protein structure/function; Has not been previously published as pathogenic or benign to our knowledge